The following is an entry in ClinVar:

NM_032383.5(HPS3):c.1245+2T>G

Gene: HPS3 (HPS3 biogenesis of lysosomal organelles complex 2 subunit 1; plus strand). Cytogenetic location: 3q24.
Variant type: single nucleotide variant.
Coding change: c.1245+2T>G on transcript NM_032383.5 (MANE Select); the canonical splice donor site of the intron after coding-DNA position 1245, T replaced by G.
Molecular consequence: splice donor variant.
Genome position (GRCh38, 1-based): chr3:149,150,682, T>G. VCF-style: chr3-149150682-T-G. GRCh37 (hg19) VCF-style: chr3-148868469-T-G.
Other names: c.750+2T>G (NM_001308258.2).
Identifiers: ClinVar variation 1465354 (VCV001465354.8), dbSNP rs2108147274, ClinGen allele CA354917391.
Genomic context (GRCh38, chr3:149,150,682, plus strand): 5'-TGCGGTGCAGTGCGGCGGCAGCTCGTGAGGAGGACCCGTACATGGACACCACCCTGAAGG[T>G]AAGAACTGGCTTATGAAGATAGTGAAACCTTAAGATCACAAGGGAGCACATGAATACTCG-3'

ClinVar aggregate classification (germline): Likely pathogenic (1 of 4 stars; one submission).

Allele frequency attached by ClinVar (database versions not stated): gnomAD exomes below 0.00001.
gnomAD v4.1: 1 of 1,610,388 alleles (0.000062%); highest among the groups gnomAD compares: Non-Finnish European, 0.000085%; no homozygotes.

Submission:

Labcorp Genetics (formerly Invitae), Labcorp
Classification: Likely pathogenic. Last evaluated: 2024-12-23. Review status: criteria provided, single submitter. Criteria: Invitae Variant Classification Sherloc (09022015). Collection method: clinical testing. Allele origin: germline.
Comment: This sequence change affects a donor splice site in intron 6 of the HPS3 gene. It is expected to disrupt RNA splicing. Variants that disrupt the donor or acceptor splice site typically lead to a loss of protein function (PMID: 16199547), and loss-of-function variants in HPS3 are known to be pathogenic (PMID: 11590544). This variant is not present in population databases (gnomAD no frequency). This variant has not been reported in the literature in individuals affected with HPS3-related conditions. ClinVar contains an entry for this variant (Variation ID: 1465354). Algorithms developed to predict the effect of sequence changes on RNA splicing suggest that this variant may disrupt the consensus splice site. In summary, the currently available evidence indicates that the variant is pathogenic, but additional data are needed to prove that conclusively. Therefore, this variant has been classified as Likely Pathogenic.

Literature cited by the submitters: PubMed 16199547; PubMed 11590544.